The following is an entry in ClinVar:

NM_139027.6(ADAMTS13):c.849G>A (p.Trp283Ter)

Gene: ADAMTS13 (ADAM metallopeptidase with thrombospondin type 1 motif 13; plus strand). Cytogenetic location: 9q34.2.
Variant type: single nucleotide variant.
Coding change: c.849G>A on transcript NM_139027.6 (MANE Select); coding-DNA position 849, G replaced by A.
Protein change: p.Trp283Ter; replaces tryptophan 283 with a stop codon.
Molecular consequence: nonsense. On other transcripts: intron variant (1).
Genome position (GRCh38, 1-based): chr9:133,429,963, G>A. VCF-style: chr9-133429963-G-A. GRCh37 (hg19) VCF-style: chr9-136295083-G-A.
Other names: c.849G>A, p.Trp283Ter (NM_139025.5); c.825-69G>A (NM_139026.6); short protein forms W283*.
Identifiers: ClinVar variation 2637008 (VCV002637008.1), dbSNP rs2491124231, ClinGen allele CA375387406.

ClinVar aggregate classification (germline): Likely pathogenic (1 of 4 stars; one submission).

Conditions:
ADAMTS13-related disorder. Also called: ADAMTS13-related condition.

Allele frequency attached by ClinVar (database versions not stated): gnomAD exomes below 0.00001.
gnomAD v4.1: 1 of 1,539,576 alleles (0.000065%); highest among the groups gnomAD compares: Non-Finnish European, 0.000087%; no homozygotes.

Submission:

PreventionGenetics, part of Exact Sciences
Classification: Likely pathogenic for ADAMTS13-related condition. Last evaluated: 2022-10-11. Review status: criteria provided, single submitter. Criteria: ACMG Guidelines, 2015. Collection method: clinical testing. Allele origin: germline.
Comment: The ADAMTS13 c.849G>A variant is predicted to result in premature protein termination (p.Trp283*). To our knowledge, this variant has not been reported in the literature or in a large population database, indicating this variant is rare. Nonsense variants in ADAMTS13 are expected to be pathogenic. This variant is interpreted as likely pathogenic.